The following is an entry in ClinVar:

ClinVar aggregate classification (germline): Uncertain significance (1 of 4 stars; one submission).

Conditions:
Inborn genetic diseases. Identifiers: MedGen C0950123, MeSH D030342.

Submission:

Ambry Genetics
Classification: Uncertain significance for Inborn genetic diseases. Last evaluated: 2025-02-28. Review status: criteria provided, single submitter. Criteria: Ambry Variant Classification Scheme 2023. Collection method: clinical testing. Allele origin: germline.
Comment: The p.P962L variant (also known as c.2885C>T), located in coding exon 14 of the FANCM gene, results from a C to T substitution at nucleotide position 2885. The proline at codon 962 is replaced by leucine, an amino acid with similar properties. This amino acid position is conserved. In addition, this alteration is predicted to be tolerated by in silico analysis. Based on the available evidence, the clinical significance of this variant remains unclear.

NM_020937.4(FANCM):c.2885C>T (p.Pro962Leu)

Gene: FANCM (FA complementation group M; plus strand). Cytogenetic location: 14q21.2.
Variant type: single nucleotide variant.
Coding change: c.2885C>T on transcript NM_020937.4 (MANE Select); coding-DNA position 2885, C replaced by T.
Protein change: p.Pro962Leu; replaces proline 962 with leucine.
Molecular consequence: missense variant.
Genome position (GRCh38, 1-based): chr14:45,175,639, C>T. VCF-style: chr14-45175639-C-T. GRCh37 (hg19) VCF-style: chr14-45644842-C-T.
Other names: c.2807C>T, p.Pro936Leu (NM_001308133.2); short protein forms P962L, P936L.
Identifiers: ClinVar variation 3848772 (VCV003848772.1).